The following is an entry in ClinVar:

NM_000322.5(PRPH2):c.5C>T (p.Ala2Val)

Gene: PRPH2 (peripherin 2; minus strand). Cytogenetic location: 6p21.1.
Variant type: single nucleotide variant.
Coding change: c.5C>T on transcript NM_000322.5 (MANE Select); coding-DNA position 5, C replaced by T.
Protein change: p.Ala2Val; replaces alanine 2 with valine.
Molecular consequence: missense variant.
Genome position (GRCh38, 1-based): chr6:42,722,330, G>A on the plus strand (C>T on the coding strand, the complement: PRPH2 is on the minus strand). VCF-style: chr6-42722330-G-A. GRCh37 (hg19) VCF-style: chr6-42690068-G-A.
Other names: short protein forms A2V.
Identifiers: ClinVar variation 2693843 (VCV002693843.3), dbSNP rs761320905, ClinGen allele CA3808681.
Genomic context (GRCh38, chr6:42,722,330, plus strand): 5'-AGCCAGAGCCCTTGGGCCAACTTGACCCGCTTCTTCTGGTCAAACTTGACTTTCAGTAGC[G>A]CCATGCTTGCCAAGTGTAGTCCGGGTTGCTTCCCACAGCACAGCTCCCACCCCAAACCTT-3'
Protein context (NP_000313.2, residues 1-12): M[Ala2Val]LLKVKFDQKK

ClinVar aggregate classification (germline): Uncertain significance (1 of 4 stars; one submission).

Conditions:
PRPH2-related disorder. Also called: PRPH2-related condition; PRPH2-related disorders. Identifiers: MedGen CN239395.

Allele frequency attached by ClinVar (database versions not stated): gnomAD 0.00002; ExAC 0.00003; TOPMed 0.00003.
gnomAD v4.1: 30 of 1,613,392 alleles (0.0019%); highest among the groups gnomAD compares: Middle Eastern, 0.016%; no homozygotes.

Submission:

Labcorp Genetics (formerly Invitae), Labcorp
Classification: Uncertain significance for PRPH2-related disorder. Last evaluated: 2024-05-06. Review status: criteria provided, single submitter. Criteria: Invitae Variant Classification Sherloc (09022015). Collection method: clinical testing. Allele origin: germline.
Comment: This sequence change replaces alanine, which is neutral and non-polar, with valine, which is neutral and non-polar, at codon 2 of the PRPH2 protein (p.Ala2Val). This variant is present in population databases (rs761320905, gnomAD 0.007%). This variant has not been reported in the literature in individuals affected with PRPH2-related conditions. Algorithms developed to predict the effect of missense changes on protein structure and function output the following: SIFT: "Not Available"; PolyPhen-2: "Benign"; Align-GVGD: "Not Available". The valine amino acid residue is found in multiple mammalian species, which suggests that this missense change does not adversely affect protein function. In summary, the available evidence is currently insufficient to determine the role of this variant in disease. Therefore, it has been classified as a Variant of Uncertain Significance.